The following is an entry in ClinVar:

ClinVar aggregate classification (germline): Uncertain significance (1 of 4 stars; one submission).

gnomAD v4.1: 7 of 1,614,016 alleles (0.00043%); highest among the groups gnomAD compares: Non-Finnish European, 0.00059%; no homozygotes.

Submission:

Labcorp Genetics (formerly Invitae), Labcorp
Classification: Uncertain significance. Last evaluated: 2021-08-26. Review status: criteria provided, single submitter. Criteria: Invitae Variant Classification Sherloc (09022015). Collection method: clinical testing. Allele origin: germline.
Comment: In summary, the available evidence is currently insufficient to determine the role of this variant in disease. Therefore, it has been classified as a Variant of Uncertain Significance. Algorithms developed to predict the effect of missense changes on protein structure and function are either unavailable or do not agree on the potential impact of this missense change (SIFT: "Deleterious"; PolyPhen-2: "Possibly Damaging"; Align-GVGD: "Class C15"). This variant has not been reported in the literature in individuals affected with SLC24A1-related conditions. This variant is not present in population databases (ExAC no frequency). This sequence change replaces histidine with glutamine at codon 458 of the SLC24A1 protein (p.His458Gln). The histidine residue is highly conserved and there is a small physicochemical difference between histidine and glutamine.

NM_004727.3(SLC24A1):c.1374C>A (p.His458Gln)

Gene: SLC24A1 (solute carrier family 24 member 1; plus strand). Cytogenetic location: 15q22.31.
Variant type: single nucleotide variant.
Coding change: c.1374C>A on transcript NM_004727.3 (MANE Select); coding-DNA position 1374, C replaced by A.
Protein change: p.His458Gln; replaces histidine 458 with glutamine.
Molecular consequence: missense variant.
Genome position (GRCh38, 1-based): chr15:65,625,454, C>A. VCF-style: chr15-65625454-C-A. GRCh37 (hg19) VCF-style: chr15-65917792-C-A.
Other names: c.1374C>A, p.His458Gln (NM_001301031.1, NM_001301032.1, NM_001301033.2); short protein forms H458Q.
Identifiers: ClinVar variation 1390892 (VCV001390892.4), dbSNP rs370043190, ClinGen allele CA392917323.